The following is an entry in ClinVar:

ClinVar aggregate classification (germline): Uncertain significance. Review status: criteria provided, multiple submitters, no conflicts (2 of 4 stars). 2 submissions from 2 submitters: Uncertain significance (2). Last evaluated 2024-04-24.

Conditions:
Inborn genetic diseases. Identifiers: MedGen C0950123, MeSH D030342.

Allele frequency attached by ClinVar (database versions not stated): gnomAD 0.00001; gnomAD exomes 0.00001; TOPMed 0.00001; ExAC 0.00003; 1000 Genomes Project 30x 0.00016; 1000 Genomes Project 0.00020.
gnomAD v4.1: 9 of 1,584,014 alleles (0.00057%); highest among the groups gnomAD compares: African/African-American, 0.0082%; 1 homozygote.

Submissions (2):

Ambry Genetics
Classification: Uncertain significance for Inborn genetic diseases. Last evaluated: 2024-04-24. Review status: criteria provided, single submitter. Criteria: Ambry Variant Classification Scheme 2023. Collection method: clinical testing. Allele origin: germline.

Labcorp Genetics (formerly Invitae), Labcorp
Classification: Uncertain significance. Last evaluated: 2022-06-04. Review status: criteria provided, single submitter. Criteria: Invitae Variant Classification Sherloc (09022015). Collection method: clinical testing. Allele origin: germline.
Comment: This sequence change replaces leucine, which is neutral and non-polar, with valine, which is neutral and non-polar, at codon 209 of the DNAAF4 protein (p.Leu209Val). This variant is present in population databases (rs569849006, gnomAD 0.01%). This variant has not been reported in the literature in individuals affected with DNAAF4-related conditions. ClinVar contains an entry for this variant (Variation ID: 662554). Algorithms developed to predict the effect of missense changes on protein structure and function (SIFT, PolyPhen-2, Align-GVGD) all suggest that this variant is likely to be tolerated. In summary, the available evidence is currently insufficient to determine the role of this variant in disease. Therefore, it has been classified as a Variant of Uncertain Significance.

NM_130810.4(DNAAF4):c.625C>G (p.Leu209Val)

Genes: DNAAF4 (dynein axonemal assembly factor 4; minus strand), DNAAF4-CCPG1 (DNAAF4-CCPG1 readthrough (NMD candidate); minus strand). Cytogenetic location: 15q21.3.
Variant type: single nucleotide variant.
Coding change: c.625C>G on transcript NM_130810.4 (MANE Select); coding-DNA position 625, C replaced by G.
Protein change: p.Leu209Val; replaces leucine 209 with valine.
Molecular consequence: missense variant. On other transcripts: non-coding transcript variant (1).
Genome position (GRCh38, 1-based): chr15:55,466,942, G>C on the plus strand (C>G on the coding strand, the complement: DNAAF4 is on the minus strand). VCF-style: chr15-55466942-G-C. GRCh37 (hg19) VCF-style: chr15-55759140-G-C.
Other names: c.625C>G, p.Leu209Val (NM_001033559.3, NM_001033560.2); short protein forms L209V.
Identifiers: ClinVar variation 662554 (VCV000662554.7), dbSNP rs569849006, ClinGen allele CA7575002.